The following is an entry in ClinVar:

NM_021955.5(GNGT1):c.96+1G>A

Gene: GNGT1 (G protein subunit gamma transducin 1; plus strand). Cytogenetic location: 7q21.3.
Variant type: single nucleotide variant.
Coding change: c.96+1G>A on transcript NM_021955.5 (MANE Select); the canonical splice donor site of the intron after coding-DNA position 96, G replaced by A.
Molecular consequence: splice donor variant.
Genome position (GRCh38, 1-based): chr7:93,906,843, G>A. VCF-style: chr7-93906843-G-A. GRCh37 (hg19) VCF-style: chr7-93536155-G-A.
Other names: c.96+1G>A (NM_001329426.2).
Identifiers: ClinVar variation 161753 (VCV000161753.2), dbSNP rs193921133, ClinGen allele CA174723.

ClinVar aggregate classification (germline): Uncertain significance (0 of 4 stars; one submission).

Conditions:
Prostate cancer. Also called: Malignant tumor of prostate. Identifiers: Orphanet 1331, MedGen C0376358, MONDO:0008315, HP:0012125.

Submission:

Science for Life laboratory,  Karolinska Institutet
Classification: Uncertain significance for Malignant tumor of prostate. Review status: no assertion criteria provided. Collection method: not provided. Allele origin: somatic.
Comment: TumorID:SWE-92B
ClinVar note: Converted during submission from Unknown to Uncertain significance.